The following is an entry in ClinVar:

NM_001408.3(CELSR2):c.7204C>T (p.Arg2402Cys)

Gene: CELSR2 (cadherin EGF LAG seven-pass G-type receptor 2; plus strand). Cytogenetic location: 1p13.3.
Variant type: single nucleotide variant.
Coding change: c.7204C>T on transcript NM_001408.3 (MANE Select); coding-DNA position 7204, C replaced by T.
Protein change: p.Arg2402Cys; replaces arginine 2402 with cysteine.
Molecular consequence: missense variant.
Genome position (GRCh38, 1-based): chr1:109,270,029, C>T. VCF-style: chr1-109270029-C-T. GRCh37 (hg19) VCF-style: chr1-109812651-C-T.
Other names: short protein forms R2402C.
Identifiers: ClinVar variation 3265783 (VCV003265783.2).

ClinVar aggregate classification (germline): Uncertain significance. Review status: criteria provided, multiple submitters, no conflicts (2 of 4 stars). 2 submissions from 2 submitters: Uncertain significance (2). Last evaluated 2025-08-24.

gnomAD v4.1: 79 of 1,614,026 alleles (0.0049%); highest among the groups gnomAD compares: Non-Finnish European, 0.0061%; no homozygotes.

Submissions (2):

Labcorp Genetics (formerly Invitae), Labcorp
Classification: Uncertain significance. Last evaluated: 2025-08-24. Review status: criteria provided, single submitter. Criteria: Invitae Variant Classification Sherloc (09022015). Collection method: clinical testing. Allele origin: germline.
Comment: This sequence change replaces arginine, which is basic and polar, with cysteine, which is neutral and slightly polar, at codon 2402 of the CELSR2 protein (p.Arg2402Cys). This variant is present in population databases (rs369686223, gnomAD 0.007%). This variant has not been reported in the literature in individuals affected with CELSR2-related conditions. ClinVar contains an entry for this variant (Variation ID: 3265783). Invitae Evidence Modeling of protein sequence and biophysical properties (such as structural, functional, and spatial information, amino acid conservation, physicochemical variation, residue mobility, and thermodynamic stability) indicates that this missense variant is not expected to disrupt CELSR2 protein function with a negative predictive value of 80%. In summary, the available evidence is currently insufficient to determine the role of this variant in disease. Therefore, it has been classified as a Variant of Uncertain Significance.

Ambry Genetics
Classification: Uncertain significance. Last evaluated: 2024-05-12. Review status: criteria provided, single submitter. Criteria: Ambry Variant Classification Scheme 2023. Collection method: clinical testing. Allele origin: germline.